The following is an entry in ClinVar:

NM_015450.3(POT1):c.1880C>A (p.Thr627Asn)

Gene: POT1 (protection of telomeres 1; minus strand). Cytogenetic location: 7q31.33.
Variant type: single nucleotide variant.
Coding change: c.1880C>A on transcript NM_015450.3 (MANE Select); coding-DNA position 1880, C replaced by A.
Protein change: p.Thr627Asn; replaces threonine 627 with asparagine.
Molecular consequence: missense variant. On other transcripts: non-coding transcript variant (3).
Genome position (GRCh38, 1-based): chr7:124,823,987, G>T on the plus strand (C>A on the coding strand, the complement: POT1 is on the minus strand). VCF-style: chr7-124823987-G-T. GRCh37 (hg19) VCF-style: chr7-124464041-G-T.
Other names: c.1487C>A, p.Thr496Asn (NM_001042594.2); short protein forms T627N, T496N.
Identifiers: ClinVar variation 647883 (VCV000647883.10), dbSNP rs1584745502, ClinGen allele CA369061097.

ClinVar aggregate classification (germline): Uncertain significance. Review status: criteria provided, multiple submitters, no conflicts (2 of 4 stars). 2 submissions from 2 submitters: Uncertain significance (2). Last evaluated 2025-05-03.

Conditions:
Tumor predisposition syndrome 3 (TPDS3). Also called: Melanoma, cutaneous malignant, susceptibility to, 10; Glioma susceptibility 9; LONG TELOMERE SYNDROME, POT1-RELATED; POT1 Tumor Predisposition. Identifiers: Orphanet 618, MedGen C4014476, MONDO:0014368, OMIM 615848.
Hereditary cancer-predisposing syndrome. Also called: Neoplastic Syndromes, Hereditary; Hereditary Cancer Syndrome; Tumor predisposition; Hereditary neoplastic syndrome. Identifiers: Orphanet 140162, MedGen C0027672, MeSH D009386, MONDO:0015356.

Submissions (2):

Ambry Genetics
Classification: Uncertain significance for Hereditary cancer-predisposing syndrome. Last evaluated: 2025-05-03. Review status: criteria provided, single submitter. Criteria: Ambry Variant Classification Scheme 2023. Collection method: clinical testing. Allele origin: germline.
Comment: The p.T627N variant (also known as c.1880C>A), located in coding exon 15 of the POT1 gene, results from a C to A substitution at nucleotide position 1880. The threonine at codon 627 is replaced by asparagine, an amino acid with similar properties. This amino acid position is highly conserved in available vertebrate species. In addition, the in silico prediction for this alteration is inconclusive. Based on the available evidence, the clinical significance of this variant remains unclear.

Labcorp Genetics (formerly Invitae), Labcorp
Classification: Uncertain significance for Tumor predisposition syndrome 3. Last evaluated: 2018-09-26. Review status: criteria provided, single submitter. Criteria: Invitae Variant Classification Sherloc (09022015). Collection method: clinical testing. Allele origin: germline.
Comment: In summary, the available evidence is currently insufficient to determine the role of this variant in disease. Therefore, it has been classified as a Variant of Uncertain Significance. Algorithms developed to predict the effect of missense changes on protein structure and function are either unavailable or do not agree on the potential impact of this missense change (SIFT: "Deleterious"; PolyPhen-2: "Probably Damaging"; Align-GVGD: "Class C0"). This variant has not been reported in the literature in individuals with POT1-related disease. This variant is not present in population databases (ExAC no frequency). This sequence change replaces threonine with asparagine at codon 627 of the POT1 protein (p.Thr627Asn). The threonine residue is highly conserved and there is a small physicochemical difference between threonine and asparagine.